The following is an entry in ClinVar:

NM_170707.4(LMNA):c.1061A>G (p.Gln354Arg)

Gene: LMNA (lamin A/C; plus strand). Cytogenetic location: 1q22.
Variant type: single nucleotide variant.
Coding change: c.1061A>G on transcript NM_170707.4 (MANE Select); coding-DNA position 1061, A replaced by G.
Protein change: p.Gln354Arg; replaces glutamine 354 with arginine.
Molecular consequence: missense variant.
Genome position (GRCh38, 1-based): chr1:156,136,025, A>G. VCF-style: chr1-156136025-A-G. GRCh37 (hg19) VCF-style: chr1-156105816-A-G.
Other names: c.725A>G, p.Gln242Arg (NM_001257374.3); c.818A>G, p.Gln273Arg (NM_001282624.2); c.1061A>G, p.Gln354Arg (NM_001282625.2, NM_001282626.2, NM_005572.4 and 1 more transcripts); short protein forms Q354R, Q273R, Q242R.
Identifiers: ClinVar variation 864147 (VCV000864147.9), dbSNP rs1651565056, ClinGen allele CA342820296.

ClinVar aggregate classification (germline): Uncertain significance (1 of 4 stars; one submission).

Conditions:
Charcot-Marie-Tooth disease type 2. Also called: Charcot-Marie-Tooth type 2. Identifiers: Orphanet 64746, MedGen C0270914, MONDO:0018993.

Submission:

Labcorp Genetics (formerly Invitae), Labcorp
Classification: Uncertain significance for Charcot-Marie-Tooth disease type 2. Last evaluated: 2019-03-15. Review status: criteria provided, single submitter. Criteria: Invitae Variant Classification Sherloc (09022015). Collection method: clinical testing. Allele origin: germline.
Comment: In summary, the available evidence is currently insufficient to determine the role of this variant in disease. Therefore, it has been classified as a Variant of Uncertain Significance. Algorithms developed to predict the effect of missense changes on protein structure and function (SIFT, PolyPhen-2, Align-GVGD) all suggest that this variant is likely to be disruptive, but these predictions have not been confirmed by published functional studies and their clinical significance is uncertain. This variant has not been reported in the literature in individuals with LMNA-related conditions. This variant is not present in population databases (ExAC no frequency). This sequence change replaces glutamine with arginine at codon 354 of the LMNA protein (p.Gln354Arg). The glutamine residue is highly conserved and there is a small physicochemical difference between glutamine and arginine.